The following is an entry in ClinVar:

ClinVar aggregate classification (germline): Uncertain significance (1 of 4 stars; one submission).

Conditions:
Creatine transporter deficiency (CCDS1). Also called: Mental retardation , X-linked with seizures, short stature and midface hypoplasia; Mental retardation , X-linked, with creatine transport deficiency; X-linked creatine transporter deficiency; X-linked creatine deficiency syndrome; SLC6A8-Related Creatine Transporter Deficiency; CREATINE TRANSPORTER DEFECT. Identifiers: Orphanet 52503, MedGen C1845862, MONDO:0010305, OMIM 300352.

Allele frequency attached by ClinVar (database versions not stated): gnomAD exomes below 0.00001.
gnomAD v4.1: 1 of 1,194,200 alleles (0.000084%); highest among the groups gnomAD compares: Non-Finnish European, 0.00011%; no homozygotes.

Submission:

Labcorp Genetics (formerly Invitae), Labcorp
Classification: Uncertain significance for Creatine transporter deficiency. Last evaluated: 2023-01-08. Review status: criteria provided, single submitter. Criteria: Invitae Variant Classification Sherloc (09022015). Collection method: clinical testing. Allele origin: germline.
Comment: This variant has not been reported in the literature in individuals affected with SLC6A8-related conditions. In summary, the available evidence is currently insufficient to determine the role of this variant in disease. Therefore, it has been classified as a Variant of Uncertain Significance. Advanced modeling of protein sequence and biophysical properties (such as structural, functional, and spatial information, amino acid conservation, physicochemical variation, residue mobility, and thermodynamic stability) performed at Invitae indicates that this missense variant is not expected to disrupt SLC6A8 protein function. This variant is not present in population databases (gnomAD no frequency). This sequence change replaces methionine, which is neutral and non-polar, with threonine, which is neutral and polar, at codon 587 of the SLC6A8 protein (p.Met587Thr).

NM_005629.4(SLC6A8):c.1760T>C (p.Met587Thr)

Gene: SLC6A8 (solute carrier family 6 member 8; plus strand). Cytogenetic location: Xq28.
Variant type: single nucleotide variant.
Coding change: c.1760T>C on transcript NM_005629.4 (MANE Select); coding-DNA position 1760, T replaced by C.
Protein change: p.Met587Thr; replaces methionine 587 with threonine.
Molecular consequence: missense variant.
Genome position (GRCh38, 1-based): chrX:153,694,882, T>C. VCF-style: chrX-153694882-T-C. GRCh37 (hg19) VCF-style: chrX-152960337-T-C.
Other names: c.1730T>C, p.Met577Thr (NM_001142805.2); c.1415T>C, p.Met472Thr (NM_001142806.1); short protein forms M472T, M577T, M587T.
Identifiers: ClinVar variation 2911984 (VCV002911984.3), dbSNP rs2522170374, ClinGen allele CA415091008.